The following is an entry in ClinVar:

NC_000009.12:g.35658017_35658039dup

Gene: RMRP (RNA component of mitochondrial RNA processing endoribonuclease; minus strand). Cytogenetic location: 9p13.3.
Variant type: Duplication.
Genome position: GRCh38 VCF-style: chr9-35658016-A-ACCACGTCCTCAGCTTCACAGAGT. GRCh37 (hg19) VCF-style: chr9-35658013-A-ACCACGTCCTCAGCTTCACAGAGT.
Identifiers: ClinVar variation 2719106 (VCV002719106.3), dbSNP rs2490602929, ClinGen allele CA2697557716.

ClinVar aggregate classification (germline): Pathogenic (1 of 4 stars; one submission).

Conditions:
Anauxetic dysplasia. Identifiers: Orphanet 93347, MedGen C1846796, MONDO:0011773.

Submission:

Labcorp Genetics (formerly Invitae), Labcorp
Classification: Pathogenic for Anauxetic dysplasia. Last evaluated: 2025-11-13. Review status: criteria provided, single submitter. Criteria: Invitae Variant Classification Sherloc (09022015). Collection method: clinical testing. Allele origin: germline.
Comment: This variant occurs in the RMRP gene, which encodes an RNA molecule that does not result in a protein product. This variant is not present in population databases (gnomAD no frequency). While this particular variant has not been reported in the literature, it is located in the promoter region between the TATA box and the transcription initiation site, and other insertions and duplications immediately upstream of the coding sequence have been reported in individuals affected with cartilage-hair hypoplasia-anauxetic dysplasia (CHH-AD) spectrum disorders (PMID: 16244706, 11207361, 12107819). While functional studies for this variant have not been reported, experimental analyses using patient derived cells, as well as in vitro transfection studies, have shown that promoter insertions result in silencing of RMRP transcription and reduced expression of the gene product (PMID: 11207361, 16254002). For these reasons, this variant has been classified as Pathogenic.

Literature cited by the submitters: PubMed 16244706; PubMed 11207361; PubMed 12107819; PubMed 16254002.